The following is an entry in ClinVar:

ClinVar aggregate classification (germline): Uncertain significance. Review status: criteria provided, multiple submitters, no conflicts (2 of 4 stars). 2 submissions from 2 submitters: Uncertain significance (2). Last evaluated 2021-12-11.

Conditions:
Familial melanoma. Also called: Hereditary melanoma; Hereditary cutaneous melanoma. Identifiers: Orphanet 618, MedGen C1512419, MONDO:0018961.
Hereditary cancer-predisposing syndrome. Also called: Neoplastic Syndromes, Hereditary; Tumor predisposition; Hereditary Cancer Syndrome; Hereditary neoplastic syndrome. Identifiers: Orphanet 140162, MedGen C0027672, MeSH D009386, MONDO:0015356.

Submissions (2):

Labcorp Genetics (formerly Invitae), Labcorp
Classification: Uncertain significance for Familial melanoma. Last evaluated: 2021-12-11. Review status: criteria provided, single submitter. Criteria: Invitae Variant Classification Sherloc (09022015). Collection method: clinical testing. Allele origin: germline.
Comment: Experimental studies have shown that this variant affects CDKN2A (p16INK4a) protein function (PMID: 21462282). The functional impact of p.Gly102Glu on p14ARF has not been tested. Algorithms developed to predict the effect of missense changes on protein structure and function are either unavailable or do not agree on the potential impact of p.Glu88Lys in p16INK4a (SIFT: "Deleterious"; PolyPhen-2: "Possibly Damaging"; Align-GVGD: "Class C0") or on the effect of p.Gly102Glu in p14ARF (SIFT: "Tolerated"; PolyPhen-2: "Not Available"; Align-GVGD: "Class C65"). ClinVar contains an entry for this variant (Variation ID: 821566). This variant has not been reported in the literature in individuals affected with CDKN2A -related conditions. This variant is not present in population databases (gnomAD no frequency). This sequence change replaces glutamic acid with lysine at codon 88 of the CDKN2A (p16INK4a) protein (p.Glu88Lys). The glutamic acid residue is highly conserved and there is a small physicochemical difference between glutamic acid and lysine. Alternatively, this sequence change replaces glycine with glutamic acid at codon 102 of the CDKN2A (p14ARF) protein (p.Gly102Glu). The glycine residue is highly conserved and there is a moderate physicochemical difference between glycine and glutamic acid. The CDKN2A gene encodes two different proteins, p16INK4a and p14ARF, which are translated from alternative transcripts that have different open reading frames. In summary, the available evidence is currently insufficient to determine the role of this variant in disease. Therefore, it has been classified as a Variant of Uncertain Significance.

Ambry Genetics
Classification: Uncertain significance for Hereditary cancer-predisposing syndrome. Last evaluated: 2018-06-25. Review status: criteria provided, single submitter. Criteria: Ambry Variant Classification Scheme 2023. Collection method: clinical testing. Allele origin: germline.
Comment: The p.E88K variant (also known as c.262G>A), located in coding exon 2 of the CDKN2A gene, results from a G to A substitution at nucleotide position 262. The glutamic acid at codon 88 is replaced by lysine, an amino acid with similar properties. This amino acid position is not well conserved in available vertebrate species. In addition, the in silico prediction for this alteration is inconclusive. Since supporting evidence is limited at this time, the clinical significance of this alteration remains unclear.

Literature cited by the submitters: PubMed 21462282 (cited by Labcorp Genetics (formerly Invitae), Labcorp).

NM_000077.5(CDKN2A):c.262G>A (p.Glu88Lys)

Gene: CDKN2A (cyclin dependent kinase inhibitor 2A; minus strand). Cytogenetic location: 9p21.3.
Variant type: single nucleotide variant.
Coding change: c.262G>A on transcript NM_000077.5; coding-DNA position 262, G replaced by A.
Protein change: p.Glu88Lys; replaces glutamic acid 88 with lysine.
Molecular consequence: missense variant (on NM_001363763.2). On other transcripts: 3 prime UTR variant (1).
Genome position (GRCh38, 1-based): chr9:21,971,097, C>T on the plus strand (G>A on the coding strand, the complement: CDKN2A is on the minus strand). VCF-style: chr9-21971097-C-T. GRCh37 (hg19) VCF-style: chr9-21971096-C-T.
Other names: c.109G>A, p.Glu37Lys (NM_001363763.2); c.305G>A, p.Gly102Glu (NM_058195.4); c.*185G>A (NM_058197.5); c.262G>A, p.Glu88Lys (NM_000077.6, NM_001195132.2); short protein forms E88K, E37K, G102E.
Identifiers: ClinVar variation 821566 (VCV000821566.12), dbSNP rs121913384, ClinGen allele CA373086206.
Genomic context (GRCh38, chr9:21,971,097, plus strand): 5'-CGCGCACGTCCAGCCGCGCCCCGGCCCGGTGCAGCACCACCAGCGTGTCCAGGAAGCCCT[C>T]CCGGGCAGCGTCGTGCACGGGTCGGGTGAGAGTGGCGGGGTCGGCGCAGTTGGGCTCCGC-3'
Protein context (NP_000068.1, residues 78-98): LTRPVHDAAR[Glu88Lys]GFLDTLVVLH